The following is an entry in ClinVar:

ClinVar aggregate classification (germline): Uncertain significance. Review status: criteria provided, multiple submitters, no conflicts (2 of 4 stars). 2 submissions from 2 submitters: Uncertain significance (2). Last evaluated 2025-07-14.

Conditions:
Hereditary cancer-predisposing syndrome. Also called: Tumor predisposition; Neoplastic Syndromes, Hereditary; Hereditary Cancer Syndrome; Hereditary neoplastic syndrome. Identifiers: Orphanet 140162, MedGen C0027672, MeSH D009386, MONDO:0015356.
POLD1-related polyposis and colorectal cancer syndrome (CRCS10). Also called: Colorectal cancer 10; COLORECTAL CANCER, SUSCEPTIBILITY TO, ON CHROMOSOME 19q; Colorectal cancer, susceptibility to, 10. Identifiers: Orphanet 220460, MedGen C2675481, MONDO:0012953, OMIM 612591.

Allele frequency attached by ClinVar (database versions not stated): gnomAD exomes below 0.00001.
gnomAD v4.1: 1 of 1,614,066 alleles (0.000062%); highest among the groups gnomAD compares: African/African-American, 0.0013%; no homozygotes.

Submissions (2):

Ambry Genetics
Classification: Uncertain significance for Hereditary cancer-predisposing syndrome. Last evaluated: 2025-07-14. Review status: criteria provided, single submitter. Criteria: Ambry Variant Classification Scheme 2023. Collection method: clinical testing. Allele origin: germline.
Comment: The p.H614R variant (also known as c.1841A>G), located in coding exon 14 of the POLD1 gene, results from an A to G substitution at nucleotide position 1841. The histidine at codon 614 is replaced by arginine, an amino acid with highly similar properties. This amino acid position is conserved. In addition, this alteration is predicted to be deleterious by in silico analysis. Since supporting evidence is limited at this time, the clinical significance of this alteration remains unclear.

Labcorp Genetics (formerly Invitae), Labcorp
Classification: Uncertain significance for POLD1-related polyposis and colorectal cancer syndrome. Last evaluated: 2025-04-13. Review status: criteria provided, single submitter. Criteria: Invitae Variant Classification Sherloc (09022015). Collection method: clinical testing. Allele origin: germline.
Comment: This sequence change replaces histidine, which is basic and polar, with arginine, which is basic and polar, at codon 614 of the POLD1 protein (p.His614Arg). This variant is not present in population databases (gnomAD no frequency). This variant has not been reported in the literature in individuals affected with POLD1-related conditions. ClinVar contains an entry for this variant (Variation ID: 582270). Invitae Evidence Modeling of protein sequence and biophysical properties (such as structural, functional, and spatial information, amino acid conservation, physicochemical variation, residue mobility, and thermodynamic stability) indicates that this missense variant is not expected to disrupt POLD1 protein function with a negative predictive value of 80%. In summary, the available evidence is currently insufficient to determine the role of this variant in disease. Therefore, it has been classified as a Variant of Uncertain Significance.

NM_002691.4(POLD1):c.1841A>G (p.His614Arg)

Gene: POLD1 (DNA polymerase delta 1, catalytic subunit; plus strand). Cytogenetic location: 19q13.33.
Variant type: single nucleotide variant.
Coding change: c.1841A>G on transcript NM_002691.4 (MANE Select); coding-DNA position 1841, A replaced by G.
Protein change: p.His614Arg; replaces histidine 614 with arginine.
Molecular consequence: missense variant. On other transcripts: non-coding transcript variant (1).
Genome position (GRCh38, 1-based): chr19:50,408,850, A>G. VCF-style: chr19-50408850-A-G. GRCh37 (hg19) VCF-style: chr19-50912107-A-G.
Other names: c.1841A>G, p.His614Arg (NM_001256849.1); c.1919A>G, p.His640Arg (NM_001308632.1); c.1841A>G (NM_002691.2); short protein forms H614R, H640R.
Identifiers: ClinVar variation 582270 (VCV000582270.13), dbSNP rs1555791790, ClinGen allele CA406982069.